The following is an entry in ClinVar:

ClinVar aggregate classification (germline): Uncertain significance (1 of 4 stars; one submission).

Conditions:
Early-infantile DEE. Also called: Early infantile epileptic encephalopathy; Early infantile epileptic encephalopathy with suppression bursts; Ohtahara syndrome. Identifiers: Orphanet 1934, MedGen C0393706, MONDO:0800491.

Allele frequency attached by ClinVar (database versions not stated): ExAC 0.00001.
gnomAD v4.1: 4 of 1,614,094 alleles (0.00025%); highest among the groups gnomAD compares: Non-Finnish European, 0.00034%; no homozygotes.

Submission:

Labcorp Genetics (formerly Invitae), Labcorp
Classification: Uncertain significance for Early-infantile DEE. Last evaluated: 2023-12-19. Review status: criteria provided, single submitter. Criteria: Invitae Variant Classification Sherloc (09022015). Collection method: clinical testing. Allele origin: germline.
Comment: This sequence change replaces proline, which is neutral and non-polar, with leucine, which is neutral and non-polar, at codon 879 of the HCN1 protein (p.Pro879Leu). This variant is present in population databases (rs774478577, gnomAD 0.0009%). This variant has not been reported in the literature in individuals affected with HCN1-related conditions. Advanced modeling of protein sequence and biophysical properties (such as structural, functional, and spatial information, amino acid conservation, physicochemical variation, residue mobility, and thermodynamic stability) performed at Invitae indicates that this missense variant is not expected to disrupt HCN1 protein function with a negative predictive value of 95%. In summary, the available evidence is currently insufficient to determine the role of this variant in disease. Therefore, it has been classified as a Variant of Uncertain Significance.

NM_021072.4(HCN1):c.2636C>T (p.Pro879Leu)

Gene: HCN1 (hyperpolarization activated cyclic nucleotide gated potassium channel 1; minus strand). Cytogenetic location: 5p12.
Variant type: single nucleotide variant.
Coding change: c.2636C>T on transcript NM_021072.4 (MANE Select); coding-DNA position 2636, C replaced by T.
Protein change: p.Pro879Leu; replaces proline 879 with leucine.
Molecular consequence: missense variant.
Genome position (GRCh38, 1-based): chr5:45,261,958, G>A on the plus strand (C>T on the coding strand, the complement: HCN1 is on the minus strand). VCF-style: chr5-45261958-G-A. GRCh37 (hg19) VCF-style: chr5-45262060-G-A.
Other names: short protein forms P879L.
Identifiers: ClinVar variation 2808320 (VCV002808320.3), dbSNP rs774478577, ClinGen allele CA3259069.